The following is an entry in ClinVar:

NM_024652.6(LRRK1):c.1880G>A (p.Arg627His)

Gene: LRRK1 (leucine rich repeat kinase 1; plus strand). Cytogenetic location: 15q26.3.
Variant type: single nucleotide variant.
Coding change: c.1880G>A on transcript NM_024652.6 (MANE Select); coding-DNA position 1880, G replaced by A.
Protein change: p.Arg627His; replaces arginine 627 with histidine.
Molecular consequence: missense variant.
Genome position (GRCh38, 1-based): chr15:101,022,410, G>A. VCF-style: chr15-101022410-G-A. GRCh37 (hg19) VCF-style: chr15-101562615-G-A.
Other names: c.1880G>A (NM_024652.3); short protein forms R627H.
Identifiers: ClinVar variation 1383805 (VCV001383805.4), dbSNP rs753941048, ClinGen allele CA7761063.

ClinVar aggregate classification (germline): Uncertain significance. Review status: criteria provided, multiple submitters, no conflicts (2 of 4 stars). 2 submissions from 2 submitters: Uncertain significance (2). Last evaluated 2024-03-05.

Conditions:
Inborn genetic diseases. Identifiers: MedGen C0950123, MeSH D030342.

gnomAD v4.1: 44 of 1,614,078 alleles (0.0027%); highest among the groups gnomAD compares: South Asian, 0.024%; no homozygotes.

Submissions (2):

Ambry Genetics
Classification: Uncertain significance for Inborn genetic diseases. Last evaluated: 2024-03-05. Review status: criteria provided, single submitter. Criteria: Ambry Variant Classification Scheme 2023. Collection method: clinical testing. Allele origin: germline.

Labcorp Genetics (formerly Invitae), Labcorp
Classification: Uncertain significance. Last evaluated: 2022-07-12. Review status: criteria provided, single submitter. Criteria: Invitae Variant Classification Sherloc (09022015). Collection method: clinical testing. Allele origin: germline.
Comment: This sequence change replaces arginine, which is basic and polar, with histidine, which is basic and polar, at codon 627 of the LRRK1 protein (p.Arg627His). This variant is present in population databases (rs753941048, gnomAD 0.04%). This variant has not been reported in the literature in individuals affected with LRRK1-related conditions. ClinVar contains an entry for this variant (Variation ID: 1383805). Algorithms developed to predict the effect of missense changes on protein structure and function are either unavailable or do not agree on the potential impact of this missense change (SIFT: "Deleterious"; PolyPhen-2: "Probably Damaging"; Align-GVGD: "Class C0"). Algorithms developed to predict the effect of sequence changes on RNA splicing suggest that this variant may create or strengthen a splice site. In summary, the available evidence is currently insufficient to determine the role of this variant in disease. Therefore, it has been classified as a Variant of Uncertain Significance.